The following is an entry in ClinVar:

NM_004990.4(MARS1):c.1092-3C>T

Gene: MARS1 (methionyl-tRNA synthetase 1; plus strand). Cytogenetic location: 12q13.3.
Variant type: single nucleotide variant.
Coding change: c.1092-3C>T on transcript NM_004990.4 (MANE Select); 3 bases into the intron before coding-DNA position 1092, C replaced by T.
Molecular consequence: intron variant.
Genome position (GRCh38, 1-based): chr12:57,500,318, C>T. VCF-style: chr12-57500318-C-T. GRCh37 (hg19) VCF-style: chr12-57894101-C-T.
Identifiers: ClinVar variation 2932829 (VCV002932829.3), dbSNP rs1876860333, ClinGen allele CA2038892657.

ClinVar aggregate classification (germline): Uncertain significance (1 of 4 stars; one submission).

Conditions:
Charcot-Marie-Tooth disease axonal type 2U. Also called: CHARCOT-MARIE-TOOTH NEUROPATHY, TYPE 2U; CHARCOT-MARIE-TOOTH DISEASE, AXONAL, AUTOSOMAL DOMINANT, TYPE 2U. Identifiers: Orphanet 397735, MedGen C4084821, MONDO:0014566, OMIM 616280.
Severe early-onset pulmonary alveolar proteinosis due to MARS deficiency. Also called: PULMONARY ALVEOLAR PROTEINOSIS, REUNION ISLAND; Interstitial lung and liver disease. Identifiers: Orphanet 440427, MedGen C4225400, MONDO:0014206, OMIM 615486.

Allele frequency attached by ClinVar (database versions not stated): gnomAD exomes below 0.00001; TOPMed below 0.00001.
gnomAD v4.1: 1 of 1,613,936 alleles (0.000062%); highest among the groups gnomAD compares: Non-Finnish European, 0.000085%; no homozygotes.

Submission:

Labcorp Genetics (formerly Invitae), Labcorp
Classification: Uncertain significance for Charcot-Marie-Tooth disease axonal type 2U; Severe early-onset pulmonary alveolar proteinosis due to MARS deficiency. Last evaluated: 2024-03-22. Review status: criteria provided, single submitter. Criteria: Invitae Variant Classification Sherloc (09022015). Collection method: clinical testing. Allele origin: germline.
Comment: This sequence change falls in intron 9 of the MARS gene. It does not directly change the encoded amino acid sequence of the MARS protein. It affects a nucleotide within the consensus splice site. This variant is not present in population databases (gnomAD no frequency). This variant has not been reported in the literature in individuals affected with MARS-related conditions. Variants that disrupt the consensus splice site are a relatively common cause of aberrant splicing (PMID: 17576681, 9536098). Algorithms developed to predict the effect of sequence changes on RNA splicing suggest that this variant is not likely to affect RNA splicing. In summary, the available evidence is currently insufficient to determine the role of this variant in disease. Therefore, it has been classified as a Variant of Uncertain Significance.

Literature cited by the submitters: PubMed 17576681; PubMed 9536098.